The following is an entry in ClinVar:

ClinVar aggregate classification (germline): Pathogenic (1 of 4 stars; one submission).

Conditions:
Congenital myasthenic syndrome 10. Also called: Myasthenia, limb-girdle, familial. Identifiers: Orphanet 590, MedGen C1850792, MONDO:0009690, OMIM 254300.
Fetal akinesia deformation sequence 1 (FADS1). Also called: Pena-Shokeir syndrome type I; Fetal akinesia sequence. Identifiers: Orphanet 994, MedGen C1276035, MONDO:0100101, OMIM 208150, HP:0001989.

Submission:

Labcorp Genetics (formerly Invitae), Labcorp
Classification: Pathogenic for Congenital myasthenic syndrome 10; Fetal akinesia deformation sequence 1. Last evaluated: 2024-09-17. Review status: criteria provided, single submitter. Criteria: Invitae Variant Classification Sherloc (09022015). Collection method: clinical testing. Allele origin: germline.
Comment: This sequence change creates a premature translational stop signal (p.Tyr106*) in the DOK7 gene. It is expected to result in an absent or disrupted protein product. Loss-of-function variants in DOK7 are known to be pathogenic (PMID: 16794080, 16917026, 18626973, 19261599). This variant is not present in population databases (gnomAD no frequency). This variant has not been reported in the literature in individuals affected with DOK7-related conditions. For these reasons, this variant has been classified as Pathogenic.

Literature cited by the submitters: PubMed 16794080; PubMed 16917026; PubMed 18626973; PubMed 19261599.

NM_173660.5(DOK7):c.318T>A (p.Tyr106Ter)

Gene: DOK7 (docking protein 7; plus strand). Cytogenetic location: 4p16.3.
Variant type: single nucleotide variant.
Coding change: c.318T>A on transcript NM_173660.5 (MANE Select); coding-DNA position 318, T replaced by A.
Protein change: p.Tyr106Ter; replaces tyrosine 106 with a stop codon.
Molecular consequence: nonsense. On other transcripts: intron variant (1).
Genome position (GRCh38, 1-based): chr4:3,473,623, T>A. VCF-style: chr4-3473623-T-A. GRCh37 (hg19) VCF-style: chr4-3475350-T-A.
Other names: c.318T>A, p.Tyr106Ter (NM_001164673.2, NM_001301071.2); c.100+10072T>A (NM_001363811.2); short protein forms Y106*.
Identifiers: ClinVar variation 3758881 (VCV003758881.2).